The following is an entry in ClinVar:

NM_000179.3(MSH6):c.3646+8_3646+11delinsT

Gene: MSH6 (mutS homolog 6; plus strand). Cytogenetic location: 2p16.3.
Variant type: Indel.
Coding change: c.3646+8_3646+11delinsT on transcript NM_000179.3 (MANE Select); bases 8 to 11 of the intron after coding-DNA position 3646, ATTA replaced by T.
Molecular consequence: intron variant.
Genome position (GRCh38, 1-based): chr2:47,805,715-47,805,718, ATTA replaced by T. VCF-style: chr2-47805715-ATTA-T. GRCh37 (hg19) VCF-style: chr2-48032854-ATTA-T.
Other names: c.3646+8_3646+11delinsT (NM_001406809.1, NM_001406796.1, NM_001406808.1 and 1 more transcripts); c.2740+8_2740+11delinsT (NM_001406811.1, NM_001406814.1, NM_001281493.2 and 6 more transcripts); c.3349+8_3349+11delinsT (NM_001406805.1, NM_001406797.1, NM_001406801.1 and 10 more transcripts); c.3742+8_3742+11delinsT (NM_001406795.1, NM_001406802.1); c.3652+8_3652+11delinsT (NM_001406813.1); c.3121+8_3121+11delinsT (NM_001406807.1, NM_001406799.1, NM_001406806.1); c.3472+8_3472+11delinsT (NM_001406798.1); c.2782+8_2782+11delinsT (NM_001406803.1); and 7 more.
Identifiers: ClinVar variation 3904488 (VCV003904488.1).
Genomic context (GRCh38, chr2:47,805,715, plus strand): 5'-CAGCATACTCATGCATGCAACAGCACATTCTCTGGTGCTTGTGGATGAATTAGGTAAGAC[ATTA>T]AACTTCTCATTTGAAGACTATCTATCTTAAAAACATTTGTACAAATAACTATTTTTATAG-3'

ClinVar aggregate classification (germline): Likely benign (1 of 4 stars; one submission).

Conditions:
Lynch syndrome 5 (LYNCH5). Also called: Colorectal cancer, hereditary nonpolyposis, type 5; Hereditary non-polyposis colorectal cancer, type 5. Identifiers: Orphanet 144, MedGen C1833477, MONDO:0013710, OMIM 614350. Disease mechanism: loss of function.

Submission:

Myriad Genetics, Inc.
Classification: Likely benign for Lynch syndrome 5. Last evaluated: 2025-01-07. Review status: criteria provided, single submitter. Criteria: Myriad Autosomal Dominant, Autosomal Recessive and X-Linked Classification Criteria (2023). Collection method: clinical testing. Allele origin: unknown.
Comment: This variant is considered likely benign. This variant is intronic and is not expected to impact mRNA splicing.